The following is an entry in ClinVar:

ClinVar aggregate classification (germline): Uncertain significance. Review status: criteria provided, multiple submitters, no conflicts (2 of 4 stars). 2 submissions from 2 submitters: Uncertain significance (2). Last evaluated 2023-10-20.

Conditions:
Hereditary nonpolyposis colorectal neoplasms. Identifiers: MedGen C0009405, MeSH D003123.
Hereditary cancer-predisposing syndrome. Also called: Hereditary neoplastic syndrome; Tumor predisposition; Hereditary Cancer Syndrome; Neoplastic Syndromes, Hereditary. Identifiers: Orphanet 140162, MedGen C0027672, MeSH D009386, MONDO:0015356.

Submissions (2):

Labcorp Genetics (formerly Invitae), Labcorp
Classification: Uncertain significance for Hereditary nonpolyposis colorectal neoplasms. Last evaluated: 2023-10-20. Review status: criteria provided, single submitter. Criteria: Invitae Variant Classification Sherloc (09022015). Collection method: clinical testing. Allele origin: germline.
Comment: This variant, c.1471_1473del, results in the deletion of 1 amino acid(s) of the PMS2 protein (p.Glu491del), but otherwise preserves the integrity of the reading frame. This variant is present in population databases (rs764854869, gnomAD 0.0009%). This variant has not been reported in the literature in individuals affected with PMS2-related conditions. ClinVar contains an entry for this variant (Variation ID: 492254). Experimental studies and prediction algorithms are not available or were not evaluated, and the functional significance of this variant is currently unknown. In summary, the available evidence is currently insufficient to determine the role of this variant in disease. Therefore, it has been classified as a Variant of Uncertain Significance.

Color Diagnostics, LLC DBA Color Health
Classification: Uncertain significance for Hereditary cancer-predisposing syndrome. Last evaluated: 2018-10-31. Review status: criteria provided, single submitter. Criteria: ACMG Guidelines, 2015. Collection method: clinical testing. Allele origin: germline.

NM_000535.7(PMS2):c.1471_1473del (p.Glu491del)

Gene: PMS2 (PMS1 homolog 2, mismatch repair system component; minus strand). Cytogenetic location: 7p22.1.
Variant type: Deletion.
Coding change: c.1471_1473del on transcript NM_000535.7 (MANE Select); coding-DNA positions 1471 to 1473, 3 bases deleted (GAG; older notation c.1471_1473delGAG).
Protein change: p.Glu491del; deletes glutamic acid 491.
Molecular consequence: inframe deletion. On other transcripts: non-coding transcript variant (1).
Genome position (GRCh38, 1-based): chr7:5,987,292-5,987,294, CTC deleted on the plus strand (GAG on the coding strand, the reverse complement: PMS2 is on the minus strand); deleting any 3 consecutive bases within chr7:5,987,292-5,987,295 gives the same sequence; the c. name uses the placement nearest the transcript's 3' end. VCF-style (leftmost placement, unchanged base first): chr7-5987291-TCTC-T. GRCh37 (hg19) VCF-style: chr7-6026922-TCTC-T.
Other names: c.1066_1068del, p.Glu356del (NM_001322003.2, NM_001322004.2, NM_001322005.2 and 1 more transcripts); c.1315_1317del, p.Glu439del (NM_001322006.2); c.1153_1155del, p.Glu385del (NM_001322007.2, NM_001322008.2); c.910_912del, p.Glu304del (NM_001322010.2); c.538_540del, p.Glu180del (NM_001322011.2, NM_001322012.2); c.898_900del, p.Glu300del (NM_001322013.2); c.1471_1473del, p.Glu491del (NM_001322014.2); c.1162_1164del, p.Glu388del (NM_001322015.2); short protein forms E491del, E180del, E388del, E300del, E356del, E385del, E304del, E439del.
Identifiers: ClinVar variation 492254 (VCV000492254.13), dbSNP rs764854869, ClinGen allele CA043799.